The following is an entry in ClinVar:

ClinVar aggregate classification (germline): Uncertain significance. Review status: criteria provided, multiple submitters, no conflicts (2 of 4 stars). 2 submissions from 2 submitters: Uncertain significance (2). Last evaluated 2021-04-21.

Submissions (2):

Blueprint Genetics
Classification: Uncertain significance. Last evaluated: 2021-04-21. Review status: criteria provided, single submitter. Criteria: ACMG Guidelines, 2015. Collection method: clinical testing. Allele origin: germline.

Labcorp Genetics (formerly Invitae), Labcorp
Classification: Uncertain significance. Last evaluated: 2020-08-28. Review status: criteria provided, single submitter. Criteria: Invitae Variant Classification Sherloc (09022015). Collection method: clinical testing. Allele origin: germline.
Comment: Algorithms developed to predict the effect of missense changes on protein structure and function are either unavailable or do not agree on the potential impact of this missense change (SIFT: "Deleterious"; PolyPhen-2: "Possibly Damaging"; Align-GVGD: "Class C15"). This variant has not been reported in the literature in individuals with PRPF6-related conditions. This variant is not present in population databases (ExAC no frequency). This sequence change replaces threonine with asparagine at codon 266 of the PRPF6 protein (p.Thr266Asn). The threonine residue is highly conserved and there is a small physicochemical difference between threonine and asparagine. In summary, the available evidence is currently insufficient to determine the role of this variant in disease. Therefore, it has been classified as a Variant of Uncertain Significance.

NM_012469.4(PRPF6):c.797C>A (p.Thr266Asn)

Gene: PRPF6 (pre-mRNA processing factor 6; plus strand). Cytogenetic location: 20q13.33.
Variant type: single nucleotide variant.
Coding change: c.797C>A on transcript NM_012469.4 (MANE Select); coding-DNA position 797, C replaced by A.
Protein change: p.Thr266Asn; replaces threonine 266 with asparagine.
Molecular consequence: missense variant.
Genome position (GRCh38, 1-based): chr20:63,999,070, C>A. VCF-style: chr20-63999070-C-A. GRCh37 (hg19) VCF-style: chr20-62630423-C-A.
Other names: short protein forms T266N.
Identifiers: ClinVar variation 1022258 (VCV001022258.9), dbSNP rs2059154089, ClinGen allele CA409717841.